The following is an entry in ClinVar:

NM_173660.5(DOK7):c.1408_1412dup (p.Gly472fs)

Gene: DOK7 (docking protein 7; plus strand). Cytogenetic location: 4p16.3.
Variant type: Duplication.
Coding change: c.1408_1412dup on transcript NM_173660.5 (MANE Select); coding-DNA positions 1408 to 1412, 5 bases duplicated (GCCCC; older notation c.1408_1412dupGCCCC).
Protein change: p.Gly472fs; shifts the reading frame from glycine 472.
Molecular consequence: frameshift variant. On other transcripts: 3 prime UTR variant (1).
Genome position (GRCh38, 1-based): chr4:3,493,394-3,493,398, GCCCC duplicated. VCF-style (leftmost placement, unchanged base first): chr4-3493393-T-TGCCCC. GRCh37 (hg19) VCF-style: chr4-3495120-T-TGCCCC.
Other names: c.*629_*633dup (NM_001164673.2); c.478_482dup, p.Gly162fs (NM_001256896.2); c.1408_1412dup, p.Gly472fs (NM_001301071.2); c.976_980dup, p.Gly328fs (NM_001363811.2); short protein forms G328fs, G472fs, G162fs.
Identifiers: ClinVar variation 854520 (VCV000854520.12), dbSNP rs1728671600, ClinGen allele CA916082629.
Genomic context (GRCh38, chr4:3,493,393, plus strand): 5'-GAGACGGCGGGGCCTGGTGATGGAGGCCCCCCAGGGCAGCGAGGCCACACTGCCTGGCCC[T>TGCCCC]GCCCCTGGCGAGCCCTGGGAAGCAGGCGGCCCCCACGCGGGGCCACCCCCGGCTTTCTTT-3'

ClinVar aggregate classification (germline): Pathogenic (1 of 4 stars; one submission).

Conditions:
Fetal akinesia deformation sequence 1 (FADS1). Also called: Fetal akinesia sequence; Pena-Shokeir syndrome type I. Identifiers: Orphanet 994, MedGen C1276035, MONDO:0100101, OMIM 208150, HP:0001989.
Congenital myasthenic syndrome 10. Also called: Myasthenia, limb-girdle, familial. Identifiers: Orphanet 590, MedGen C1850792, MONDO:0009690, OMIM 254300.

Allele frequency attached by ClinVar (database versions not stated): TOPMed 0.00001.

Submission:

Labcorp Genetics (formerly Invitae), Labcorp
Classification: Pathogenic for Congenital myasthenic syndrome 10; Fetal akinesia deformation sequence 1. Last evaluated: 2023-05-22. Review status: criteria provided, single submitter. Criteria: Invitae Variant Classification Sherloc (09022015). Collection method: clinical testing. Allele origin: germline.
Comment: This variant disrupts a region of the DOK7 protein in which other variant(s) (p.Pro486Argfs*15) have been determined to be pathogenic (PMID: 29118959). This suggests that this is a clinically significant region of the protein, and that variants that disrupt it are likely to be disease-causing. ClinVar contains an entry for this variant (Variation ID: 854520). This variant has not been reported in the literature in individuals affected with DOK7-related conditions. This variant is not present in population databases (gnomAD no frequency). This sequence change creates a premature translational stop signal (p.Gly472Profs*31) in the DOK7 gene. While this is not anticipated to result in nonsense mediated decay, it is expected to disrupt the last 33 amino acid(s) of the DOK7 protein. For these reasons, this variant has been classified as Pathogenic.

Literature cited by the submitters: PubMed 29118959.